The following is an entry in ClinVar:

ClinVar aggregate classification (germline): Uncertain significance (1 of 4 stars; one submission).

Allele frequency attached by ClinVar (database versions not stated): ExAC 0.00001; TOPMed 0.00001; gnomAD 0.00001; gnomAD exomes 0.00001.
gnomAD v4.1: 9 of 1,613,602 alleles (0.00056%); highest among the groups gnomAD compares: Non-Finnish European, 0.00076%; no homozygotes.

Submission:

Labcorp Genetics (formerly Invitae), Labcorp
Classification: Uncertain significance. Last evaluated: 2022-02-28. Review status: criteria provided, single submitter. Criteria: Invitae Variant Classification Sherloc (09022015). Collection method: clinical testing. Allele origin: germline.
Comment: This variant has not been reported in the literature in individuals affected with CNTNAP1-related conditions. Variants that disrupt the consensus splice site are a relatively common cause of aberrant splicing (PMID: 17576681, 9536098). Algorithms developed to predict the effect of sequence changes on RNA splicing suggest that this variant is not likely to affect RNA splicing. In summary, the available evidence is currently insufficient to determine the role of this variant in disease. Therefore, it has been classified as a Variant of Uncertain Significance. This sequence change falls in intron 7 of the CNTNAP1 gene. It does not directly change the encoded amino acid sequence of the CNTNAP1 protein. It affects a nucleotide within the consensus splice site. This variant is present in population databases (rs768724234, gnomAD 0.0009%).

Literature cited by the submitters: PubMed 17576681; PubMed 9536098.

NM_003632.3(CNTNAP1):c.1045-3T>C

Gene: CNTNAP1 (contactin associated protein 1; plus strand). Cytogenetic location: 17q21.2.
Variant type: single nucleotide variant.
Coding change: c.1045-3T>C on transcript NM_003632.3 (MANE Select); 3 bases into the intron before coding-DNA position 1045, T replaced by C.
Molecular consequence: intron variant.
Genome position (GRCh38, 1-based): chr17:42,687,717, T>C. VCF-style: chr17-42687717-T-C. GRCh37 (hg19) VCF-style: chr17-40839735-T-C.
Identifiers: ClinVar variation 1902751 (VCV001902751.5), dbSNP rs768724234, ClinGen allele CA8581704.